The following is an entry in ClinVar:

ClinVar aggregate classification (germline): Conflicting classifications of pathogenicity. Review status: criteria provided, conflicting classifications (1 of 4 stars). 3 submissions from 3 submitters: Likely pathogenic (1); Uncertain significance (1). 1 of the submissions does not count toward it. Last evaluated 2025-07-31.

Conditions:
Wilson disease (WND). Also called: Wilson's disease. Identifiers: Orphanet 905, MedGen C0019202, MONDO:0010200, OMIM 277900. Disease mechanism: loss of function.

Submissions (3):

Women's Health and Genetics/Laboratory Corporation of America, LabCorp
Classification: Uncertain significance. Last evaluated: 2025-07-31. Review status: criteria provided, single submitter. Criteria: LabCorp Variant Classification Summary - May 2015. Collection method: clinical testing. Allele origin: germline.
Comment: Variant summary: ATP7B c.3767A>G (p.Gln1256Arg) results in a conservative amino acid change located in the P-type heavy metal-transporting ATPase domain of the encoded protein sequence. Algorithms developed to predict the effect of missense changes on protein structure and function are either unavailable or do not agree on the potential impact of this missense change. The variant was absent in 249576 control chromosomes. The available data on variant occurrences in the general population are insufficient to allow any conclusion about variant significance. c.3767A>G has been observed in individual(s) affected with Wilson Disease (Kumar_2005,Kumar_2006). These report(s) do not provide unequivocal conclusions about association of the variant with Wilson Disease. To our knowledge, no experimental evidence demonstrating an impact on protein function has been reported. The following publications have been ascertained in the context of this evaluation (PMID: 16684691, 15811015). ClinVar contains an entry for this variant (Variation ID: 557176). Based on the evidence outlined above, the variant was classified as uncertain significance.

Labcorp Genetics (formerly Invitae), Labcorp
Classification: Likely pathogenic for Wilson disease. Last evaluated: 2023-03-29. Review status: criteria provided, single submitter. Criteria: Invitae Variant Classification Sherloc (09022015). Collection method: clinical testing. Allele origin: germline.
Comment: In summary, the currently available evidence indicates that the variant is pathogenic, but additional data are needed to prove that conclusively. Therefore, this variant has been classified as Likely Pathogenic. Advanced modeling of protein sequence and biophysical properties (such as structural, functional, and spatial information, amino acid conservation, physicochemical variation, residue mobility, and thermodynamic stability) performed at Invitae indicates that this missense variant is expected to disrupt ATP7B protein function. ClinVar contains an entry for this variant (Variation ID: 557176). This missense change has been observed in individual(s) with Wilson disease (PMID: 16684691). This variant is not present in population databases (gnomAD no frequency). This sequence change replaces glutamine, which is neutral and polar, with arginine, which is basic and polar, at codon 1256 of the ATP7B protein (p.Gln1256Arg).

Counsyl
Classification: Uncertain significance for Wilson disease. Last evaluated: 2018-03-12. Review status: no assertion criteria provided. Collection method: clinical testing. Allele origin: unknown. Not counted in ClinVar's aggregate classification.

Literature cited by the submitters: PubMed 16684691 (cited by 3 submitters); PubMed 15811015 (cited by Women's Health and Genetics/Laboratory Corporation of America, LabCorp).

NM_000053.4(ATP7B):c.3767A>G (p.Gln1256Arg)

Gene: ATP7B (ATPase copper transporting beta; minus strand). Cytogenetic location: 13q14.3.
Variant type: single nucleotide variant.
Coding change: c.3767A>G on transcript NM_000053.4 (MANE Select); coding-DNA position 3767, A replaced by G.
Protein change: p.Gln1256Arg; replaces glutamine 1256 with arginine.
Molecular consequence: missense variant.
Genome position (GRCh38, 1-based): chr13:51,937,612, T>C on the plus strand (A>G on the coding strand, the complement: ATP7B is on the minus strand). VCF-style: chr13-51937612-T-C. GRCh37 (hg19) VCF-style: chr13-52511748-T-C.
Other names: c.3146A>G, p.Gln1049Arg (NM_001005918.3); c.3434A>G, p.Gln1145Arg (NM_001243182.2); c.3533A>G, p.Gln1178Arg (NM_001330578.2); c.3515A>G, p.Gln1172Arg (NM_001330579.2); short protein forms Q1256R, Q1172R, Q1049R, Q1145R, Q1178R.
Identifiers: ClinVar variation 557176 (VCV000557176.8), dbSNP rs1555283946, ClinGen allele CA388022193.
Genomic context (GRCh38, chr13:51,937,612, plus strand): 5'-GCCAAGGCCGGGGAGTCATTGACCCCATCCCCCACCATGGCGACTTTCTTCCCTTTATTC[T>C]GGAGCTCCTGGACCTTGGCCACCTTGTGCGAAGGCAGCACCTCTGCAAAGACTTTGTTGA-3'
Protein context (NP_000044.2, residues 1246-1266): SHKVAKVQEL[Gln1256Arg]NKGKKVAMVG